The following is an entry in ClinVar:

ClinVar aggregate classification (germline): Likely benign (1 of 4 stars; one submission).

gnomAD v4.1: 1 of 1,613,922 alleles (0.000062%); highest among the groups gnomAD compares: Admixed American, 0.0017%; no homozygotes.

Submission:

CeGaT Center for Human Genetics Tuebingen
Classification: Likely benign. Last evaluated: 2025-11-01. Review status: criteria provided, single submitter. Criteria: CeGaT Center For Human Genetics Tuebingen Variant Classification Criteria Version 2. Collection method: clinical testing. Allele origin: germline. Affected: yes. Observed: 1 variant allele.
Comment: PCLO: BP4, BP7

NM_033026.6(PCLO):c.8940G>A (p.Gly2980=)

Gene: PCLO (piccolo presynaptic cytomatrix protein; minus strand). Cytogenetic location: 7q21.11.
Variant type: single nucleotide variant.
Coding change: c.8940G>A on transcript NM_033026.6 (MANE Select); coding-DNA position 8940, G replaced by A.
Protein change: p.Gly2980=; no amino-acid change (glycine 2980 retained).
Molecular consequence: synonymous variant.
Genome position (GRCh38, 1-based): chr7:82,952,013, C>T on the plus strand (G>A on the coding strand, the complement: PCLO is on the minus strand). VCF-style: chr7-82952013-C-T. GRCh37 (hg19) VCF-style: chr7-82581329-C-T.
Other names: c.8940G>A, p.Gly2980= (NM_014510.3).
Identifiers: ClinVar variation 4533994 (VCV004533994.6).